The following is an entry in ClinVar:

NM_003060.4(SLC22A5):c.730A>T (p.Met244Leu)

Gene: SLC22A5 (solute carrier family 22 member 5; plus strand). Cytogenetic location: 5q31.1.
Variant type: single nucleotide variant.
Coding change: c.730A>T on transcript NM_003060.4 (MANE Select); coding-DNA position 730, A replaced by T.
Protein change: p.Met244Leu; replaces methionine 244 with leucine.
Molecular consequence: missense variant.
Genome position (GRCh38, 1-based): chr5:132,385,405, A>T. VCF-style: chr5-132385405-A-T. GRCh37 (hg19) VCF-style: chr5-131721097-A-T.
Other names: c.802A>T, p.Met268Leu (NM_001308122.2); short protein forms M268L, M244L.
Identifiers: ClinVar variation 1930238 (VCV001930238.5), dbSNP rs749322974, ClinGen allele CA360805093.

ClinVar aggregate classification (germline): Uncertain significance (1 of 4 stars; one submission).

Conditions:
Renal carnitine transport defect (CDSP). Also called: CARNITINE DEFICIENCY, SYSTEMIC, DUE TO DEFECT IN RENAL REABSORPTION OF CARNITINE; CARNITINE TRANSPORTER, PLASMA-MEMBRANE, DEFICIENCY OF; CARNITINE UPTAKE DEFECT; Carnitine Deficiency, Systemic; Systemic primary carnitine deficiency disease; Primary carnitine deficiency. Identifiers: Orphanet 158, MedGen C0342788, MONDO:0008919, OMIM 212140.

Submission:

Labcorp Genetics (formerly Invitae), Labcorp
Classification: Uncertain significance for Renal carnitine transport defect. Last evaluated: 2025-04-08. Review status: criteria provided, single submitter. Criteria: Invitae Variant Classification Sherloc (09022015). Collection method: clinical testing. Allele origin: germline.
Comment: This sequence change replaces methionine, which is neutral and non-polar, with leucine, which is neutral and non-polar, at codon 244 of the SLC22A5 protein (p.Met244Leu). This variant is not present in population databases (gnomAD no frequency). This variant has not been reported in the literature in individuals affected with SLC22A5-related conditions. ClinVar contains an entry for this variant (Variation ID: 1930238). Invitae Evidence Modeling of protein sequence and biophysical properties (such as structural, functional, and spatial information, amino acid conservation, physicochemical variation, residue mobility, and thermodynamic stability) has been performed for this missense variant. However, the output from this modeling did not meet the statistical confidence thresholds required to predict the impact of this variant on SLC22A5 protein function. In summary, the available evidence is currently insufficient to determine the role of this variant in disease. Therefore, it has been classified as a Variant of Uncertain Significance.